The following is an entry in ClinVar:

ClinVar aggregate classification (germline): Likely benign. Review status: criteria provided, single submitter (1 of 4 stars). 2 submissions from 2 submitters: Likely benign (1). 1 of the submissions does not count toward it. Last evaluated 2025-11-28.

Conditions:
MTOR-related disorder. Also called: MTOR-related condition.

Allele frequency attached by ClinVar (database versions not stated): gnomAD exomes below 0.00001; TOPMed below 0.00001.

Submissions (2):

Labcorp Genetics (formerly Invitae), Labcorp
Classification: Likely benign. Last evaluated: 2025-11-28. Review status: criteria provided, single submitter. Criteria: Invitae Variant Classification Sherloc (09022015). Collection method: clinical testing. Allele origin: germline.

PreventionGenetics, part of Exact Sciences
Classification: Likely benign for MTOR-related condition. Last evaluated: 2021-10-12. Review status: no assertion criteria provided. Collection method: clinical testing. Allele origin: germline. Not counted in ClinVar's aggregate classification.
Comment: This variant is classified as likely benign based on ACMG/AMP sequence variant interpretation guidelines (Richards et al. 2015 PMID: 25741868, with internal and published modifications).

NM_004958.4(MTOR):c.490C>A (p.Arg164=)

Gene: MTOR (mechanistic target of rapamycin kinase; minus strand). Cytogenetic location: 1p36.22.
Variant type: single nucleotide variant.
Coding change: c.490C>A on transcript NM_004958.4 (MANE Select); coding-DNA position 490, C replaced by A.
Protein change: p.Arg164=; no amino-acid change (arginine 164 retained).
Molecular consequence: synonymous variant.
Genome position (GRCh38, 1-based): chr1:11,256,947, G>T on the plus strand (C>A on the coding strand, the complement: MTOR is on the minus strand). VCF-style: chr1-11256947-G-T. GRCh37 (hg19) VCF-style: chr1-11317004-G-T.
Identifiers: ClinVar variation 740255 (VCV000740255.10), dbSNP rs1435076819, ClinGen allele CA416041927.